The following is an entry in ClinVar:

ClinVar aggregate classification (germline): Uncertain significance (1 of 4 stars; one submission).

Conditions:
Fanconi anemia (FA). Also called: Fanconi's anemia. Identifiers: Orphanet 84, MedGen C0015625, MeSH D005199, MONDO:0019391.

Allele frequency attached by ClinVar (database versions not stated): ExAC 0.00001; gnomAD 0.00001; gnomAD exomes 0.00001; TOPMed 0.00002.
gnomAD v4.1: 14 of 1,614,018 alleles (0.00087%); highest among the groups gnomAD compares: Non-Finnish European, 0.0012%; no homozygotes.

Submission:

Labcorp Genetics (formerly Invitae), Labcorp
Classification: Uncertain significance for Fanconi anemia. Last evaluated: 2024-12-31. Review status: criteria provided, single submitter. Criteria: Invitae Variant Classification Sherloc (09022015). Collection method: clinical testing. Allele origin: germline.
Comment: This sequence change replaces glutamic acid, which is acidic and polar, with glutamine, which is neutral and polar, at codon 477 of the SLX4 protein (p.Glu477Gln). This variant is present in population databases (rs748957904, gnomAD 0.003%). This variant has not been reported in the literature in individuals affected with SLX4-related conditions. ClinVar contains an entry for this variant (Variation ID: 1476501). An algorithm developed to predict the effect of missense changes on protein structure and function (PolyPhen-2) suggests that this variant¬†is likely to be tolerated. In summary, the available evidence is currently insufficient to determine the role of this variant in disease. Therefore, it has been classified as a Variant of Uncertain Significance.

NM_032444.4(SLX4):c.1429G>C (p.Glu477Gln)

Gene: SLX4 (SLX4 structure-specific endonuclease subunit; minus strand). Cytogenetic location: 16p13.3.
Variant type: single nucleotide variant.
Coding change: c.1429G>C on transcript NM_032444.4 (MANE Select); coding-DNA position 1429, G replaced by C.
Protein change: p.Glu477Gln; replaces glutamic acid 477 with glutamine.
Molecular consequence: missense variant.
Genome position (GRCh38, 1-based): chr16:3,597,633, C>G on the plus strand (G>C on the coding strand, the complement: SLX4 is on the minus strand). VCF-style: chr16-3597633-C-G. GRCh37 (hg19) VCF-style: chr16-3647634-C-G.
Other names: short protein forms E477Q.
Identifiers: ClinVar variation 1476501 (VCV001476501.6), dbSNP rs748957904, ClinGen allele CA7866516.